The following is an entry in ClinVar:

ClinVar aggregate classification (germline): Likely benign (0 of 4 stars; one submission).

Conditions:
TMX3-related disorder. Also called: TMX3-related condition.

gnomAD v4.1: 28 of 1,601,716 alleles (0.0017%); highest among the groups gnomAD compares: Admixed American, 0.017%; no homozygotes.

Submission:

PreventionGenetics, part of Exact Sciences
Classification: Likely benign for TMX3-related condition. Last evaluated: 2024-08-12. Review status: no assertion criteria provided. Collection method: clinical testing. Allele origin: germline.
Comment: This variant is classified as likely benign based on ACMG/AMP sequence variant interpretation guidelines (Richards et al. 2015 PMID: 25741868, with internal and published modifications).

NM_019022.5(TMX3):c.393-6C>A

Gene: TMX3 (thioredoxin related transmembrane protein 3; minus strand). Cytogenetic location: 18q22.1.
Variant type: single nucleotide variant.
Coding change: c.393-6C>A on transcript NM_019022.5 (MANE Select); 6 bases into the intron before coding-DNA position 393, C replaced by A.
Molecular consequence: intron variant.
Genome position (GRCh38, 1-based): chr18:68,698,037, G>T on the plus strand (C>A on the coding strand, the complement: TMX3 is on the minus strand). VCF-style: chr18-68698037-G-T. GRCh37 (hg19) VCF-style: chr18-66365274-G-T.
Other names: c.-31-6C>A (NM_001350516.2, NM_001350515.2, NM_001350517.2); c.312-6C>A (NM_001350514.2, NM_001350513.2); c.393-6C>A (NM_001350512.2).
Identifiers: ClinVar variation 3358034 (VCV003358034.1).